The following is an entry in ClinVar:

ClinVar aggregate classification (germline): Likely benign. Review status: criteria provided, multiple submitters, no conflicts (2 of 4 stars). 2 submissions from 2 submitters: Likely benign (2). Last evaluated 2024-11-27.

gnomAD v4.1: 1,530 of 1,614,100 alleles (0.095%); highest among the groups gnomAD compares: Middle Eastern, 1.8%; 5 homozygotes.

Submissions (2):

Blueprint Genetics
Classification: Likely benign. Last evaluated: 2024-11-27. Review status: criteria provided, single submitter. Criteria: ACMG Guidelines, 2015. Collection method: clinical testing. Allele origin: germline.

CeGaT Center for Human Genetics Tuebingen
Classification: Likely benign. Last evaluated: 2024-10-01. Review status: criteria provided, single submitter. Criteria: CeGaT Center For Human Genetics Tuebingen Variant Classification Criteria Version 2. Collection method: clinical testing. Allele origin: germline. Affected: yes. Observed: 1 variant allele.
Comment: ZP2: BP4, BS2

NM_001376232.1(ZP2):c.1342T>A (p.Phe448Ile)

Gene: ZP2 (zona pellucida glycoprotein 2; minus strand). Cytogenetic location: 16p12.2.
Variant type: single nucleotide variant.
Coding change: c.1342T>A on transcript NM_001376232.1 (MANE Select); coding-DNA position 1342, T replaced by A.
Protein change: p.Phe448Ile; replaces phenylalanine 448 with isoleucine.
Molecular consequence: missense variant. On other transcripts: non-coding transcript variant (1).
Genome position (GRCh38, 1-based): chr16:21,201,969, A>T on the plus strand (T>A on the coding strand, the complement: ZP2 is on the minus strand). VCF-style: chr16-21201969-A-T. GRCh37 (hg19) VCF-style: chr16-21213290-A-T.
Other names: c.1342T>A, p.Phe448Ile (NM_001376231.1, NM_001376233.1, NM_003460.2); short protein forms F448I.
Identifiers: ClinVar variation 3388002 (VCV003388002.15).
Genomic context (GRCh38, chr16:21,201,969, plus strand): 5'-GTCAAATAGCAATTTTATCTCACCTGAACTCACTGTCTCTAGATATTTTGCTTGGAGGAA[A>T]ATCCGTCCAGAGAGCATGTATTTCGTTTTCATAGACGACTTTATCATCTTCGAACTTAAA-3'
Protein context (NP_001363161.1, residues 438-458): ENEIHALWTD[Phe448Ile]PPSKISRDSE